The following is an entry in ClinVar:

NM_001069.3(TUBB2A):c.230G>A (p.Arg77Lys)

Gene: TUBB2A (tubulin beta 2A class IIa; minus strand). Cytogenetic location: 6p25.2.
Variant type: single nucleotide variant.
Coding change: c.230G>A on transcript NM_001069.3 (MANE Select); coding-DNA position 230, G replaced by A.
Protein change: p.Arg77Lys; replaces arginine 77 with lysine.
Molecular consequence: missense variant. On other transcripts: 5 prime UTR variant (1).
Genome position (GRCh38, 1-based): chr6:3,155,672, C>T on the plus strand (G>A on the coding strand, the complement: TUBB2A is on the minus strand). VCF-style: chr6-3155672-C-T. GRCh37 (hg19) VCF-style: chr6-3155906-C-T.
Other names: c.-158G>A (NM_001310315.2); short protein forms R77K.
Identifiers: ClinVar variation 2580489 (VCV002580489.1), dbSNP rs2533527122, ClinGen allele CA362593231.

ClinVar aggregate classification (germline): Uncertain significance (1 of 4 stars; one submission).

Submission:

GeneDx
Classification: Uncertain significance. Last evaluated: 2023-03-21. Review status: criteria provided, single submitter. Criteria: GeneDx Variant Classification Process June 2021. Collection method: clinical testing. Allele origin: germline. Affected: yes.
Comment: Not observed at significant frequency in large population cohorts (gnomAD); In silico analysis supports that this missense variant does not alter protein structure/function; Has not been previously published as pathogenic or benign to our knowledge